The following is an entry in ClinVar:

NM_001130987.2(DYSF):c.3002A>C (p.Lys1001Thr)

Gene: DYSF (dysferlin; plus strand). Cytogenetic location: 2p13.2.
Variant type: single nucleotide variant.
Coding change: c.3002A>C on transcript NM_001130987.2 (MANE Select); coding-DNA position 3002, A replaced by C.
Protein change: p.Lys1001Thr; replaces lysine 1001 with threonine.
Molecular consequence: missense variant.
Genome position (GRCh38, 1-based): chr2:71,570,251, A>C. VCF-style: chr2-71570251-A-C. GRCh37 (hg19) VCF-style: chr2-71797381-A-C.
Other names: c.2951A>C, p.Lys984Thr (NM_001130455.2, NM_001130983.2); c.2906A>C, p.Lys969Thr (NM_001130976.2, NM_001130977.2); c.2948A>C, p.Lys983Thr (NM_001130978.2, NM_003494.4); c.3041A>C, p.Lys1014Thr (NM_001130979.2); c.2999A>C, p.Lys1000Thr (NM_001130980.2, NM_001130981.2); c.3044A>C, p.Lys1015Thr (NM_001130982.2); c.2909A>C, p.Lys970Thr (NM_001130984.2, NM_001130986.2); c.3002A>C, p.Lys1001Thr (NM_001130985.2); short protein forms K1001T, K983T, K1015T, K1000T, K969T, K984T, K970T, K1014T.
Identifiers: ClinVar variation 282765 (VCV000282765.44), dbSNP rs34061568, ClinGen allele CA1706371.

ClinVar aggregate classification (germline): Conflicting classifications of pathogenicity. Review status: criteria provided, conflicting classifications (1 of 4 stars). 8 submissions from 8 submitters: Uncertain significance (5); Benign (1). 2 of the submissions do not count toward it. Last evaluated 2026-01-12.

Conditions:
DYSF-related disorder. Also called: DYSF-related disorders; DYSF-related condition.
Neuromuscular disease caused by qualitative or quantitative defects of dysferlin. Also called: Dysferlinopathy; Qualitative or quantitative defects of dysferlin. Identifiers: Orphanet 207073, MedGen C2931687, MONDO:0016145.
Autosomal recessive limb-girdle muscular dystrophy type 2B (LGMDR2). Also called: MUSCULAR DYSTROPHY, LIMB-GIRDLE, TYPE 3; Limb-Girdle Muscular Dystrophy Type 2B (LGMD2B); Limb-girdle muscular dystrophy, type 2B; MUSCULAR DYSTROPHY, LIMB-GIRDLE, AUTOSOMAL RECESSIVE 2. Identifiers: Orphanet 268, MedGen C1850889, MONDO:0009676, OMIM 253601.

Allele frequency attached by ClinVar (database versions not stated): gnomAD 0.00030 and 0.00031; gnomAD exomes 0.00030 and 0.00072; TOPMed 0.00036; ESP Exome Variant Server 0.00046; ExAC 0.00058.

Submissions (8):

Labcorp Genetics (formerly Invitae), Labcorp
Classification: Benign for Neuromuscular disease caused by qualitative or quantitative defects of dysferlin. Last evaluated: 2026-01-12. Review status: criteria provided, single submitter. Criteria: Invitae Variant Classification Sherloc (09022015). Collection method: clinical testing. Allele origin: germline.

GeneDx
Classification: Uncertain significance. Last evaluated: 2025-03-04. Review status: criteria provided, single submitter. Criteria: GeneDx Variant Classification Process June 2021. Collection method: clinical testing. Allele origin: germline. Affected: yes.
Comment: Reported as a heterozygous variant of uncertain significance in a cohort of patients with limb-girdle muscular dystrophy and Pompe disease, however further clinical information was not provided (Schiava M et al.Neurology Perspectives. DOI 10.1016/j.neurop.2022.03.003); In silico analysis supports that this missense variant has a deleterious effect on protein structure/function; This variant is associated with the following publications: (PMID: 24438169, Schiava2022[PDF])

CeGaT Center for Human Genetics Tuebingen
Classification: Uncertain significance. Last evaluated: 2024-11-01. Review status: criteria provided, single submitter. Criteria: CeGaT Center For Human Genetics Tuebingen Variant Classification Criteria Version 2. Collection method: clinical testing. Allele origin: germline. Affected: yes. Observed: 1 variant allele.

Mayo Clinic Laboratories, Mayo Clinic
Classification: Uncertain significance. Last evaluated: 2020-09-28. Review status: criteria provided, single submitter. Criteria: ACMG Guidelines, 2015. Collection method: clinical testing. Allele origin: germline. Observed: 1 variant allele.

Illumina Laboratory Services, Illumina
Classification: Uncertain significance for Qualitative or quantitative defects of dysferlin. Last evaluated: 2018-01-13. Review status: criteria provided, single submitter. Criteria: ICSL Variant Classification Criteria 13 December 2019. Collection method: clinical testing. Allele origin: germline.

Eurofins Ntd Llc (ga)
Classification: Uncertain significance. Last evaluated: 2015-08-27. Review status: criteria provided, single submitter. Criteria: EGL Classification Definitions 2015. Collection method: clinical testing. Allele origin: germline. Observed: 1 variant allele, 1 heterozygote.

PreventionGenetics, part of Exact Sciences
Classification: Benign for DYSF-related condition. Last evaluated: 2020-01-20. Review status: no assertion criteria provided. Collection method: clinical testing. Allele origin: germline. Not counted in ClinVar's aggregate classification.
Comment: This variant is classified as benign based on ACMG/AMP sequence variant interpretation guidelines (Richards et al. 2015 PMID: 25741868, with internal and published modifications).

Natera, Inc.
Classification: Likely benign for Limb-girdle muscular dystrophy type 2B. Last evaluated: 2020-01-12. Review status: no assertion criteria provided. Collection method: clinical testing. Allele origin: germline. Not counted in ClinVar's aggregate classification.